The following is an entry in ClinVar:

NM_004977.3(KCNC3):c.883G>A (p.Ala295Thr)

Gene: KCNC3 (potassium voltage-gated channel subfamily C member 3; minus strand). Cytogenetic location: 19q13.33.
Variant type: single nucleotide variant.
Coding change: c.883G>A on transcript NM_004977.3 (MANE Select); coding-DNA position 883, G replaced by A.
Protein change: p.Ala295Thr; replaces alanine 295 with threonine.
Molecular consequence: missense variant.
Genome position (GRCh38, 1-based): chr19:50,324,070, C>T on the plus strand (G>A on the coding strand, the complement: KCNC3 is on the minus strand). VCF-style: chr19-50324070-C-T. GRCh37 (hg19) VCF-style: chr19-50827327-C-T.
Other names: c.655G>A, p.Ala219Thr (NM_001372305.1); short protein forms A219T, A295T.
Identifiers: ClinVar variation 3337196 (VCV003337196.3).

ClinVar aggregate classification (germline): Uncertain significance. Review status: criteria provided, multiple submitters, no conflicts (2 of 4 stars). 2 submissions from 2 submitters: Uncertain significance (2). Last evaluated 2025-08-29.

Submissions (2):

Labcorp Genetics (formerly Invitae), Labcorp
Classification: Uncertain significance. Last evaluated: 2025-08-29. Review status: criteria provided, single submitter. Criteria: Invitae Variant Classification Sherloc (09022015). Collection method: clinical testing. Allele origin: germline.
Comment: This sequence change replaces alanine, which is neutral and non-polar, with threonine, which is neutral and polar, at codon 295 of the KCNC3 protein (p.Ala295Thr). This variant is present in population databases (rs543411553, gnomAD 0.01%). This variant has not been reported in the literature in individuals affected with KCNC3-related conditions. ClinVar contains an entry for this variant (Variation ID: 3337196). An algorithm developed to predict the effect of missense changes on protein structure and function (PolyPhen-2) suggests that this variant is likely to be disruptive. In summary, the available evidence is currently insufficient to determine the role of this variant in disease. Therefore, it has been classified as a Variant of Uncertain Significance.

Clinical Genetics Laboratory, Skane University Hospital Lund
Classification: Uncertain significance. Last evaluated: 2022-05-27. Review status: criteria provided, single submitter. Criteria: ACMG Guidelines, 2015. Collection method: clinical testing. Allele origin: germline. Affected: yes.